The following is an entry in ClinVar:

ClinVar aggregate classification (germline): Likely benign (1 of 4 stars; one submission).

Conditions:
PRKCB-related disorder. Also called: PRKCB-related condition.

gnomAD v4.1: 17 of 1,605,044 alleles (0.0011%); highest among the groups gnomAD compares: Non-Finnish European, 0.0014%; no homozygotes.

Submission:

PreventionGenetics, part of Exact Sciences
Classification: Likely benign for PRKCB-related condition. Last evaluated: 2025-06-06. Review status: criteria provided, single submitter. Criteria: ACMG Guidelines, 2015. Collection method: clinical testing. Allele origin: germline.
Comment: This variant is classified as likely benign based on ACMG/AMP sequence variant interpretation guidelines (Richards et al. 2015 PMID: 25741868, with internal and published modifications).

NM_002738.7(PRKCB):c.114A>G (p.Lys38=)

Gene: PRKCB (protein kinase C beta; plus strand). Cytogenetic location: 16p12.2.
Variant type: single nucleotide variant.
Coding change: c.114A>G on transcript NM_002738.7 (MANE Select); coding-DNA position 114, A replaced by G.
Protein change: p.Lys38=; no amino-acid change (lysine 38 retained).
Molecular consequence: synonymous variant.
Genome position (GRCh38, 1-based): chr16:23,836,289, A>G. VCF-style: chr16-23836289-A-G. GRCh37 (hg19) VCF-style: chr16-23847610-A-G.
Other names: c.114A>G, p.Lys38= (NM_212535.3).
Identifiers: ClinVar variation 4981879 (VCV004981879.1).
Genomic context (GRCh38, chr16:23,836,289, plus strand): 5'-GCGCTTCGCCCGCAAAGGCGCCCTCCGGCAGAAGAACGTGCATGAGGTCAAGAACCACAA[A>G]TTCACCGCCCGCTTCTTCAAGCAGCCCACCTTCTGCAGCCACTGCACCGACTTCATCTGG-3'
Protein context (NP_002729.2, residues 28-48): QKNVHEVKNH[Lys38=]FTARFFKQPT